The following continues an entry in ClinVar:

NM_001048174.2(MUTYH):c.850-2A>G

Gene: MUTYH. ClinVar aggregate classification (germline): Conflicting classifications of pathogenicity. Uncertain significance (9); Likely benign (8).

Submissions 8 to 15 of 35:

Women's Health and Genetics/Laboratory Corporation of America, LabCorp
Classification: Likely benign. Last evaluated: 2023-08-28. Review status: criteria provided, single submitter. Criteria: LabCorp Variant Classification Summary - May 2015. Collection method: clinical testing. Allele origin: germline.
Comment: Variant summary: MUTYH c.934-2A>G is located in a canonical splice-site and is predicted to affect mRNA splicing resulting in a significantly altered protein due to either exon skipping, shortening, or inclusion of intronic material. Several computational tools predict a significant impact on normal splicing: four predict the variant abolishes the canonical 3' splicing acceptor site, while two predict the variant creates a novel 3' acceptor site, 9 nucleotides downstream from the original splice site. Earlier RNA studies reported that this variant affects mRNA splicing, resulting in the out-of-frame inclusion of intron 10, causing a premature translation stop signal (Tao_2004, Taki_2016, Thibodeau_2019), in addition, an abnormal splicing event removing 9 bp from the 5' end of exon 11 was also described (Taki_2016, Thibodeau_2019). However, a recent detailed analysis (Hernandez_2022) demonstrated that the out-of-frame inclusion of intron 10 is a naturally occurring, low-level alternative splicing event (detected in both variant carrier and control samples, in about 5-13% of transcripts), while the variant exclusively results in the in-frame deletion of 9 nucleotides from the 5' end of exon 11 (detected in about 22-29% of the transcripts). This deletion causes an in-frame loss of three amino acids (p.V312_Q314del), which is not located to any known domains (InterPro), but is predicted to be positioned within a flexible linker region between domains, which does not engage in any apparent specific interactions (Hernandez_2022). The variant allele was found at a frequency of 0.0012 in 253188 control chromosomes (gnomAD and publication data), predominantly at a frequency of 0.015 within the East Asian subpopulation (in the gnomAD database), including 5 homozygotes. The observed variant frequency within East Asian control individuals in the gnomAD database is approximately 3-fold of the estimated maximal expected allele frequency for a pathogenic variant in MUTYH causing MUTYH-Associated Polyposis (MAP) phenotype (0.0046). In addition, this variant was found at an even higher allele frequency in two Japanese control databases, jMorp and HGVD-Kyoto, with allele frequencies of 0.0195 and 0.0248, respectively. These data suggest that this variant is a benign polymorphism found primarily in populations of East Asian origin. c.934-2A>G has been reported in the literature in multiple individuals affected with colorectal polyposis, and other tumor phenotypes, including e.g. breast-, ovarian-, gallbladder-, colon-, endometrial- and thyroid cancer (e.g. Miyaki_2005, Kim_2007, Frey_2015, Hirotsu_2015, Taki_2016, Hansen_2017, Li_2017, Zhang_2017, Chan_2018, Thibodeau_2019, Wang_2019, Slavin_2020). However, none of the reported individuals with colorectal polyposis were indicated to be compound heterozygotes or homozygotes for MUTYH mutations. A recent case-control study in the Japanese population identified the variant in heterozygous state at a high frequency in both controls and colorectal cancer (CRC) cases, and found it in homozygous CRC patients (4 cases) who did not have multiple polyps, indicating that the variant is likely to be non-causative (Fujita_2020). A recent study also noted the lack of a polyposis phenotype in three biallelic carriers (Hernandez_2022). We also ascertained two studies reporting homozygous occurrences of the variant in a patient diagnosed with gastric cancer, and in a patient with endometrial cancer, without strong evidence of causality (Tao_2004, Wang_2019). A publication (Jian_2017) reported two independent breast cancer patients who did not carry the variant of interest, while some of their unaffected daughters (younger than the average age of onset for breast cancer) carried the variant. In addition, in a recent large study evaluating breast cancer cases and controls in the Breast Cancer Association Consortium (BCAC), the variant was reported in 253/60466 cases (allele frequency of 0.001) and 236/53461 controls (frequency 0.0011) (Dorling_2021, through LOVD). Other case-control studies indicated that this variant may be associated with moderate increase in risk for colorectal cancer in carriers (Tao_2008, Yang_2013), however larger studies will be necessary to clarify any such risk associations. Several co-occurrences with pathogenic variants have been reported in patients with associated penetrant phenotypes of familial adenomatous polyposis (FAP), breast- and colorectal cancer [APC c.2751delT, p.D917fs (Kohda_2016); BRCA1 c.2110_2111delAA, p.N704CfsX7 (Yang_2015); APC with an unspecified deletion (Li_2017); BRCA2 c.774_775delAA, p.Glu260Serfs*15 (Chan_2018); MLH1 c.704_723del, p.Lys236Glufs*64 (Chan_2018)]. An earlier functional study has suggested that the variant results in a mutant protein which is mislocalized in cells after transfection (Tao_2004), however, the authors analyzed a protein product resulting from the out-of-frame inclusion of intron 10, which lost the C-terminal NLS, therefore these results doesn't allow conclusions for the effect of the del9 transcript (Hernandez_2022), which is predicted to lead to an in-frame loss of three amino acids in a noncritical domain of the protein (p.V312_Q314del). The following publications have been ascertained in the context of this evaluation (PMID: 30093976, 28526081, 33471991, 26296696, 33309985, 28195393, 34716202, 26436112, 29093764, 17703316, 26837502, 22641385, 24733792, 28251689, 26824983, 15890374, 34897210, 27443514, 31575519, 26684191, 18271935, 15180946, 30833417, 30982232, 30886832, 24377541, 25927356, 28135145, 28445943). Multiple clinical diagnostic laboratories have submitted clinical-significance assessments for this variant to ClinVar after 2014 and classified the variant as pathogenic (n=1), likely pathogenic (n=2), uncertain significance (n=7), likely benign (n=5). Based on the evidence outlined above, the variant was classified as likely benign.

GeneDx
Classification: Likely benign. Last evaluated: 2023-02-01. Review status: criteria provided, single submitter. Criteria: GeneDx Variant Classification Process June 2021. Collection method: clinical testing. Allele origin: germline. Affected: yes.
Comment: See Variant Classification Assertion Criteria.

Color Diagnostics, LLC DBA Color Health
Classification: Likely benign for Hereditary cancer-predisposing syndrome. Last evaluated: 2022-11-14. Review status: criteria provided, single submitter. Criteria: ACMG Guidelines, 2015. Collection method: clinical testing. Allele origin: germline.

CeGaT Center for Human Genetics Tuebingen
Classification: Uncertain significance. Last evaluated: 2021-08-01. Review status: criteria provided, single submitter. Criteria: CeGaT Center For Human Genetics Tuebingen Variant Classification Criteria Version 2. Collection method: clinical testing. Allele origin: germline. Affected: yes. Observed: 1 variant allele.

ARUP Laboratories, Molecular Genetics and Genomics, ARUP Laboratories
Classification: Uncertain significance. Last evaluated: 2021-07-04. Review status: criteria provided, single submitter. Criteria: ARUP Molecular Germline Variant Investigation Process. Collection method: clinical testing. Allele origin: germline. Inheritance: Autosomal recessive inheritance.
Comment: The MUTYH c.934-2A>G variant (rs77542170), also known as IVS10-2A>G or c.892-2A>G for NM_001048171, is reported in the literature in multiple individuals with colorectal adenomatous polyposis or colorectal cancer, but has only been reported in the heterozygous state with no additional MUTYH variant identified (Hansen 2017, Taki 2016, Zhang 2017). This variant has also been reported heterozygously in individuals with breast and/or ovarian cancer (Hirotsu 2015, Kurian 2014) as well as an individual with glioma (Kline 2016). This variant is found heterozygously at a similar frequency in individuals with gastric cancer as in controls (Tao 2004). This variant disrupts the canonical splice acceptor site of intron 10, and RNA analysis shows this alters splicing and causes intron 10 retention leading to a premature termination codon; however the proportion of aberrant transcripts compared to wild type is unclear (Tao 2004). This variant is also reported in the ClinVar database (Variation ID: 41766) and is found in the East Asian population with an allele frequency of 1.5% (307/19952 alleles, including 5 homozygotes) in the Genome Aggregation Database, which is greater than expected for a pathogenic variant. Due to conflicting information, the clinical significance of the c.934-2A>G variant is uncertain at this time.

Baylor Genetics
Classification: Uncertain significance for Familial adenomatous polyposis 2. Last evaluated: 2020-12-04. Review status: criteria provided, single submitter. Criteria: ACMG Guidelines, 2015. Collection method: clinical testing. Allele origin: unknown. Affected: yes. Study: CSER-TexasKidsCanSeq.
Comment: This variant was determined to be of uncertain significance according to ACMG Guidelines, 2015 [PMID:25741868].

Laboratory for Molecular Medicine, Mass General Brigham Personalized Medicine
Classification: Uncertain significance. Last evaluated: 2020-07-01. Review status: criteria provided, single submitter. Criteria: LMM Criteria. Collection method: clinical testing. Allele origin: germline. Observed: 5 variant alleles.
Comment: The c.934-2A>G variant in MUTYH has been widely studied in the East Asian population and reported in at least 7 individuals with colorectal cancer; however, to our knowledge, none of these individuals had a second pathogenic germline MUTYH variant identified (Miyaki 2005 PMID:15890374, Kim 2007 PMID:17703316, Taki 2016 PMID:26684191). It has been identified in 1.54% (307/19952) of East Asian chromosomes by the Genome Aggregation Database (gnomAD). This variant has also been reported in ClinVar (Variation ID 41766). This variant occurs within the canonical splice site (+/- 1,2) and is predicted to cause altered splicing leading to an abnormal or absent protein. Functional studies was demonstrated to cause aberrant splicing in in vitro studies (Tao 2004 PMID:15180946, Taki 2016 PMID:26684191), but whether this alteration causes a biological loss of function of the MUTYH protein in humans is uncertain. In summary, while the predicted functional impact of this variant and in vitro studies favor a pathogenic role, based on the absence of reported affected individuals carrying this variant and a second pathogenic MUTYH variant in the literature despite its high frequency in the general population, its clinical significance is uncertain. Additional studies are needed to clarify the significance of this variant. ACMG/AMP Criteria applied: BS1_Supporting.

Ambry Genetics
Classification: Likely benign for Hereditary cancer-predisposing syndrome. Last evaluated: 2019-03-29. Review status: criteria provided, single submitter. Criteria: Ambry Variant Classification Scheme 2023. Collection method: clinical testing. Allele origin: germline.